The following is an entry in ClinVar:

NM_001378609.3(OTOGL):c.1892C>A (p.Ser631Tyr)

Gene: OTOGL (otogelin like; plus strand). Cytogenetic location: 12q21.31.
Variant type: single nucleotide variant.
Coding change: c.1892C>A on transcript NM_001378609.3 (MANE Select); coding-DNA position 1892, C replaced by A.
Protein change: p.Ser631Tyr; replaces serine 631 with tyrosine.
Molecular consequence: missense variant.
Genome position (GRCh38, 1-based): chr12:80,261,971, C>A. VCF-style: chr12-80261971-C-A. GRCh37 (hg19) VCF-style: chr12-80655751-C-A.
Other names: c.1892C>A, p.Ser631Tyr (NM_001368062.3, NM_001378610.3, NM_173591.7); short protein forms S631Y.
Identifiers: ClinVar variation 1064958 (VCV001064958.4), dbSNP rs373638514, ClinGen allele CA6700613.
Genomic context (GRCh38, chr12:80,261,971, plus strand): 5'-AGGTTATGAACAAATGAATGAGAGATACATGAAGATGAGCATTGTCTTTGCTTTCTAGTT[C>A]TCCATCAGGCATGATAGAAGGTACACCACAACTTCACGCAAATGCGTGGAGAGTTTCTTC-3'
Protein context (NP_001365538.2, residues 621-641): FNGNIRDDFL[Ser631Tyr]PSGMIEGTPQ

ClinVar aggregate classification (germline): Uncertain significance. Review status: criteria provided, multiple submitters, no conflicts (2 of 4 stars). 2 submissions from 2 submitters: Uncertain significance (2). Last evaluated 2023-11-06.

Conditions:
Inborn genetic diseases. Identifiers: MedGen C0950123, MeSH D030342.
Hearing impairment. Also called: Impaired Hearing. Identifiers: MedGen C1384666, MONDO:0005365, HP:0000365.

Allele frequency attached by ClinVar (database versions not stated): gnomAD 0.00001 and 0.00003; ExAC 0.00002; gnomAD exomes 0.00002; ESP Exome Variant Server 0.00008.
gnomAD v4.1: 33 of 1,610,080 alleles (0.002%); highest among the groups gnomAD compares: South Asian, 0.019%; no homozygotes.

Submissions (2):

Ambry Genetics
Classification: Uncertain significance for Inborn genetic diseases. Last evaluated: 2023-11-06. Review status: criteria provided, single submitter. Criteria: Ambry Variant Classification Scheme 2023. Collection method: clinical testing. Allele origin: germline.

Department of Otolaryngology – Head & Neck Surgery, Cochlear Implant Center
Classification: Uncertain significance for Hearing impairment. Last evaluated: 2021-04-12. Review status: criteria provided, single submitter. Criteria: ClinGen HL ACMG Specifications v1. Collection method: clinical testing. Allele origin: germline. Affected: yes.
Comment: PM2_Moderate, PP3_Supporting